The following is an entry in ClinVar:

NM_000465.4(BARD1):c.976A>G (p.Asn326Asp)

Gene: BARD1 (BRCA1 associated RING domain 1; minus strand). Cytogenetic location: 2q35.
Variant type: single nucleotide variant.
Coding change: c.976A>G on transcript NM_000465.4 (MANE Select); coding-DNA position 976, A replaced by G.
Protein change: p.Asn326Asp; replaces asparagine 326 with aspartic acid.
Molecular consequence: missense variant. On other transcripts: non-coding transcript variant (2), intron variant (3).
Genome position (GRCh38, 1-based): chr2:214,780,898, T>C on the plus strand (A>G on the coding strand, the complement: BARD1 is on the minus strand). VCF-style: chr2-214780898-T-C. GRCh37 (hg19) VCF-style: chr2-215645622-T-C.
Other names: p.N326D:AAT>GAT; c.919A>G, p.Asn307Asp (NM_001282543.2); c.159-28343A>G (NM_001282548.2); c.215+16163A>G (NM_001282545.2); c.364+11399A>G (NM_001282549.2); short protein forms N326D, N307D.
Identifiers: ClinVar variation 127750 (VCV000127750.25), dbSNP rs587780038, ClinGen allele CA287562.

ClinVar aggregate classification (germline): Conflicting classifications of pathogenicity. Review status: criteria provided, conflicting classifications (1 of 4 stars). 8 submissions from 8 submitters: Uncertain significance (7); Likely benign (1). Last evaluated 2026-01-01.

Conditions:
Hereditary cancer-predisposing syndrome. Also called: Hereditary neoplastic syndrome; Neoplastic Syndromes, Hereditary; Hereditary Cancer Syndrome; Tumor predisposition. Identifiers: Orphanet 140162, MedGen C0027672, MeSH D009386, MONDO:0015356.
Familial cancer of breast. Also called: Hereditary breast cancer; BREAST CANCER, FAMILIAL; hereditary breast carcinoma. Identifiers: Orphanet 227535, MedGen C0346153, MONDO:0016419, OMIM 114480. Disease mechanism: loss of function.

Allele frequency attached by ClinVar (database versions not stated): ExAC 0.00001; gnomAD 0.00001; gnomAD exomes 0.00001.
gnomAD v4.1: 4 of 1,614,048 alleles (0.00025%); highest among the groups gnomAD compares: Admixed American, 0.0017%; no homozygotes.

Submissions (8):

Labcorp Genetics (formerly Invitae), Labcorp
Classification: Uncertain significance for Familial cancer of breast. Last evaluated: 2026-01-01. Review status: criteria provided, single submitter. Criteria: Invitae Variant Classification Sherloc (09022015). Collection method: clinical testing. Allele origin: germline.
Comment: This sequence change replaces asparagine, which is neutral and polar, with aspartic acid, which is acidic and polar, at codon 326 of the BARD1 protein (p.Asn326Asp). This variant is present in population databases (rs587780038, gnomAD 0.003%). This variant has not been reported in the literature in individuals affected with BARD1-related conditions. ClinVar contains an entry for this variant (Variation ID: 127750). An algorithm developed to predict the effect of missense changes on protein structure and function (PolyPhen-2) suggests that this variant is likely to be tolerated. Experimental studies have shown that this missense change does not substantially affect BARD1 function (PMID: 30925164). In summary, the available evidence is currently insufficient to determine the role of this variant in disease. Therefore, it has been classified as a Variant of Uncertain Significance.

Quest Diagnostics Nichols Institute San Juan Capistrano
Classification: Uncertain significance. Last evaluated: 2025-01-30. Review status: criteria provided, single submitter. Criteria: Quest Diagnostics criteria. Collection method: clinical testing. Allele origin: unknown.
Comment: The BARD1 c.976A>G (p.Asn326Asp) variant has been reported in the published literature in an individual with stomach cancer (PMID: 30925164 (2019)). In a large case-control study, this variant was observed in individuals with breast cancer as well as in a reportedly healthy individual (PMID: 33471991 (2021), see LOVD). A functional study indicates this variant had no damaging impact on homology-directed DNA repair activity in vivo (PMID: 30925164 (2019)). The frequency of this variant in the general population (Genome Aggregation Database) is uninformative in the assessment of its pathogenicity. Analysis of this variant using bioinformatics tools for the prediction of the effect of amino acid changes on protein structure and function yielded predictions that this variant is benign. Based on the available information, we are unable to determine the clinical significance of this variant.

KCCC/NGS Laboratory, Kuwait Cancer Control Center
Classification: Uncertain significance for Familial cancer of breast. Last evaluated: 2023-07-07. Review status: criteria provided, single submitter. Criteria: ACMG Guidelines, 2015. Collection method: clinical testing. Allele origin: unknown. Affected: yes.
Comment: This sequence change replaces asparagine with aspartic acid at codon 326 of the BARD1 protein (p.Asn326Asp). This variant is present in population databases (rs587780038, ExAC <0.01%) but has not been reported in the literature in individuals with a BARD1-related disease. ClinVar contains an entry for this variant (Variation ID: 127750) with 6 submissions all of which describe it as of uncertain significance. In-silico predictions show benign computational verdict based on 11 benign predictions from BayesDel_addAF, DANN, DEOGEN2, EIGEN, FATHMM-MKL, LIST-S2, MVP, MutationAssessor, MutationTaster, PrimateAI and SIFT vs 1 pathogenic prediction from M-CAP and the position is not strongly conserved. Therefore, it has been classified as a Variant of Uncertain Significance.

Color Diagnostics, LLC DBA Color Health
Classification: Uncertain significance for Hereditary cancer-predisposing syndrome. Last evaluated: 2023-05-11. Review status: criteria provided, single submitter. Criteria: ACMG Guidelines, 2015. Collection method: clinical testing. Allele origin: germline.
Comment: This missense variant replaces asparagine with aspartic acid at codon 326 of the BARD1 protein. Computational prediction suggests that this variant may not impact protein structure and function (internally defined REVEL score threshold <= 0.5, PMID: 27666373). A functional study has shown that the variant has neutral impact on homology-directed repair activity in a cell line-based assay (PMID: 30925164). This variant has been detected in a breast cancer case-control meta-analysis in 2/60466 cases and 1/53461 controls (PMID: 33471991). This variant has been identified in 3/282456 chromosomes in the general population by the Genome Aggregation Database (gnomAD). The available evidence is insufficient to determine the role of this variant in disease conclusively. Therefore, this variant is classified as a Variant of Uncertain Significance.

GeneDx
Classification: Uncertain significance. Last evaluated: 2022-04-26. Review status: criteria provided, single submitter. Criteria: GeneDx Variant Classification Process June 2021. Collection method: clinical testing. Allele origin: germline. Affected: yes.
Comment: Not observed at significant frequency in large population cohorts (gnomAD); In silico analysis supports that this missense variant does not alter protein structure/function; Published functional studies demonstrate no damaging effect: homology-directed repair activity comparable to wild-type (Adamovich 2019); This variant is associated with the following publications: (PMID: 15632137, 30925164)

Ambry Genetics
Classification: Likely benign for Hereditary cancer-predisposing syndrome. Last evaluated: 2021-05-26. Review status: criteria provided, single submitter. Criteria: Ambry Variant Classification Scheme 2023. Collection method: clinical testing. Allele origin: germline.

Mendelics
Classification: Uncertain significance for Familial cancer of breast. Last evaluated: 2019-05-28. Review status: criteria provided, single submitter. Criteria: Mendelics Assertion Criteria 2017. Collection method: clinical testing. Allele origin: unknown.

Fulgent Genetics
Classification: Uncertain significance for Familial cancer of breast. Last evaluated: 2018-10-31. Review status: criteria provided, single submitter. Criteria: ACMG Guidelines, 2015. Collection method: clinical testing. Allele origin: unknown.

Literature cited by the submitters: PubMed 30925164 (cited by 4 submitters); PubMed 33471991 (cited by 3 submitters).